The following is an entry in ClinVar:

ClinVar aggregate classification (germline): Likely pathogenic. Review status: criteria provided, single submitter (1 of 4 stars). 2 submissions from 2 submitters: Likely pathogenic (1). 1 of the submissions does not count toward it. Last evaluated 2023-08-17.

Conditions:
Hearing loss, X-linked 6. Also called: Deafness, X-linked 6. Identifiers: Orphanet 90625, MedGen C3806737, MONDO:0010484, OMIM 300914.

Allele frequency attached by ClinVar (database versions not stated): gnomAD exomes 0.00001 and 0.00002; gnomAD 0.00003; TOPMed 0.00005; ExAC 0.00001.
gnomAD v4.1: 24 of 1,117,009 alleles (0.0021%); highest among the groups gnomAD compares: Non-Finnish European, 0.0028%; no homozygotes.

Submissions (2):

3billion
Classification: Likely pathogenic for Hearing loss, X-linked 6. Last evaluated: 2023-08-17. Review status: criteria provided, single submitter. Criteria: ACMG Guidelines, 2015. Collection method: clinical testing. Allele origin: germline. Affected: yes.
Comment: The variant is observed at an extremely low frequency in the gnomAD v2.1.1 dataset (total allele frequency: 0.002%). Predicted Consequence/Location: Missense changes are a common disease-causing mechanism. In silico tool predictions suggest damaging effect of the variant on gene or gene product [REVEL: 0.97 (>=0.6, sensitivity 0.68 and specificity 0.92); 3Cnet: 0.78 (>=0.6, sensitivity 0.72 and precision 0.9)]. Same nucleotide change resulting in same amino acid change has been previously reported to be associated with COL4A6 related disorder (ClinVar ID: VCV000102425 /PMID: 23714752). Therefore, this variant is classified as Likely pathogenic according to the recommendation of ACMG/AMP guideline.

OMIM
Classification: Pathogenic for DEAFNESS, X-LINKED 6 (1 family). Last evaluated: 2014-02-01. Review status: flagged submission. Collection method: literature only. Allele origin: germline. Not counted in ClinVar's aggregate classification.
ClinVar note: Notes: Flagging candidate with reason of insufficient supporting evidence. This gene has been classified as having a limited gene-disease relationship by a ClinGen Expert Panel.
ClinVar note: Reason: Other

Literature cited by the submitters: PubMed 23714752 (cited by 3billion and OMIM).

NM_033641.4(COL4A6):c.1768G>A (p.Gly590Ser)

Gene: COL4A6 (collagen type IV alpha 6 chain; minus strand). Cytogenetic location: Xq22.3.
Variant type: single nucleotide variant.
Coding change: c.1768G>A on transcript NM_033641.4 (MANE Select); coding-DNA position 1768, G replaced by A.
Protein change: p.Gly590Ser; replaces glycine 590 with serine.
Molecular consequence: missense variant.
Genome position (GRCh38, 1-based): chrX:108,187,279, C>T on the plus strand (G>A on the coding strand, the complement: COL4A6 is on the minus strand). VCF-style: chrX-108187279-C-T. GRCh37 (hg19) VCF-style: chrX-107430509-C-T.
Other names: c.1768G>A, p.Gly590Ser (NM_001287758.2, NM_001287759.2, NM_001287760.2); c.1771G>A, p.Gly591Ser (NM_001847.4); short protein forms G591S, G590S.
Identifiers: ClinVar variation 102425 (VCV000102425.4), dbSNP rs779748859, ClinGen allele CA10487762.